The following is an entry in ClinVar:

NM_182972.3(IRF2BP2):c.141C>G (p.Asp47Glu)

Gene: IRF2BP2 (interferon regulatory factor 2 binding protein 2; minus strand). Cytogenetic location: 1q42.3.
Variant type: single nucleotide variant.
Coding change: c.141C>G on transcript NM_182972.3 (MANE Select); coding-DNA position 141, C replaced by G.
Protein change: p.Asp47Glu; replaces aspartic acid 47 with glutamic acid.
Molecular consequence: missense variant.
Genome position (GRCh38, 1-based): chr1:234,609,354, G>C on the plus strand (C>G on the coding strand, the complement: IRF2BP2 is on the minus strand). VCF-style: chr1-234609354-G-C. GRCh37 (hg19) VCF-style: chr1-234745100-G-C.
Other names: c.141C>G, p.Asp47Glu (NM_001077397.1); short protein forms D47E.
Identifiers: ClinVar variation 1992589 (VCV001992589.4), dbSNP rs771111724, ClinGen allele CA345311853.
Genomic context (GRCh38, chr1:234,609,354, plus strand): 5'-CGGGAAGCAGCCGTGCGCCCGCTTGAGCTGCCGCGCCGTCTCGATGACGAACTCGACGCG[G>C]TCGGCGCCCTCGTAGTTGACGCAGCCGCGGCAGACGGGTTCGGTGAAGTCCCAGATCATG-3'
Protein context (NP_892017.2, residues 37-57): CRGCVNYEGA[Asp47Glu]RVEFVIETAR

ClinVar aggregate classification (germline): Uncertain significance (1 of 4 stars; one submission).

Submission:

Labcorp Genetics (formerly Invitae), Labcorp
Classification: Uncertain significance. Last evaluated: 2025-12-23. Review status: criteria provided, single submitter. Criteria: Invitae Variant Classification Sherloc (09022015). Collection method: clinical testing. Allele origin: germline.
Comment: This sequence change replaces aspartic acid, which is acidic and polar, with glutamic acid, which is acidic and polar, at codon 47 of the IRF2BP2 protein (p.Asp47Glu). This variant is not present in population databases (gnomAD no frequency). This variant has not been reported in the literature in individuals affected with IRF2BP2-related conditions. ClinVar contains an entry for this variant (Variation ID: 1992589). An algorithm developed to predict the effect of missense changes on protein structure and function (PolyPhen-2) suggests that this variant is likely to be disruptive. In summary, the available evidence is currently insufficient to determine the role of this variant in disease. Therefore, it has been classified as a Variant of Uncertain Significance.